The following is an entry in ClinVar:

ClinVar aggregate classification (germline): Conflicting classifications of pathogenicity. Review status: criteria provided, conflicting classifications (1 of 4 stars). 2 submissions from 2 submitters: Likely pathogenic (1); Uncertain significance (1). Last evaluated 2023-02-23.

Conditions:
Combined oxidative phosphorylation defect type 27. Also called: Combined oxidative phosphorylation deficiency 27. Identifiers: Orphanet 477774, MedGen C5567608, MONDO:0014728, OMIM 616672.

Allele frequency attached by ClinVar (database versions not stated): ExAC below 0.00001.

Submissions (2):

GeneDx
Classification: Likely pathogenic. Last evaluated: 2023-02-23. Review status: criteria provided, single submitter. Criteria: GeneDx Variant Classification Process June 2021. Collection method: clinical testing. Allele origin: germline. Affected: yes.
Comment: Initiation codon variant in a gene for which loss of function is a known mechanism of disease; Not observed at significant frequency in large population cohorts (gnomAD); Has not been previously published as pathogenic or benign to our knowledge; This variant is associated with the following publications: (PMID: 31371348)

Labcorp Genetics (formerly Invitae), Labcorp
Classification: Uncertain significance for Combined oxidative phosphorylation defect type 27. Last evaluated: 2022-08-09. Review status: criteria provided, single submitter. Criteria: Invitae Variant Classification Sherloc (09022015). Collection method: clinical testing. Allele origin: germline.
Comment: This sequence change affects the initiator methionine of the CARS2 mRNA. The next in-frame methionine is located at codon 114. This variant is not present in population databases (gnomAD no frequency). This variant has not been reported in the literature in individuals affected with CARS2-related conditions. ClinVar contains an entry for this variant (Variation ID: 265071). Experimental studies and prediction algorithms are not available or were not evaluated, and the functional significance of this variant is currently unknown. In summary, the available evidence is currently insufficient to determine the role of this variant in disease. Therefore, it has been classified as a Variant of Uncertain Significance.

NM_024537.4(CARS2):c.2T>C (p.Met1Thr)

Genes: CARS2 (cysteinyl-tRNA synthetase 2, mitochondrial; minus strand), LOC130010127 (ATAC-STARR-seq lymphoblastoid silent region 5509; plus strand). Cytogenetic location: 13q34.
Variant type: single nucleotide variant.
Coding change: c.2T>C on transcript NM_024537.4 (MANE Select); coding-DNA position 2, T replaced by C.
Protein change: p.Met1Thr; changes the start codon (methionine 1).
Molecular consequence: missense variant, initiator codon variant. On other transcripts: non-coding transcript variant (1), intron variant (1).
Genome position (GRCh38, 1-based): chr13:110,706,092, A>G on the plus strand (T>C on the coding strand, the complement: CARS2 is on the minus strand). VCF-style: chr13-110706092-A-G. GRCh37 (hg19) VCF-style: chr13-111358439-A-G.
Other names: c.2T>C, p.Met1Thr (NM_001352253.3); c.-776+279T>C (NM_001352252.2); short protein forms M1T.
Identifiers: ClinVar variation 265071 (VCV000265071.7), dbSNP rs774110184, ClinGen allele CA7052409.